The following is an entry in ClinVar:

ClinVar aggregate classification (germline): Uncertain significance (1 of 4 stars; one submission).

Conditions:
Inborn genetic diseases. Identifiers: MedGen C0950123, MeSH D030342.

Submission:

Ambry Genetics
Classification: Uncertain significance for Inborn genetic diseases. Last evaluated: 2025-09-07. Review status: criteria provided, single submitter. Criteria: Ambry Variant Classification Scheme 2023. Collection method: clinical testing. Allele origin: germline.
Comment: The p.D341A variant (also known as c.1022A>C), located in coding exon 3 of the MBD4 gene, results from an A to C substitution at nucleotide position 1022. The aspartic acid at codon 341 is replaced by alanine, an amino acid with dissimilar properties. This amino acid position is conserved. In addition, this alteration is predicted to be tolerated by in silico analysis. Based on the available evidence, the clinical significance of this variant remains unclear.

NM_001276270.2(MBD4):c.1022A>C (p.Asp341Ala)

Gene: MBD4 (methyl-CpG binding domain 4, DNA glycosylase; minus strand). Cytogenetic location: 3q21.3.
Variant type: single nucleotide variant.
Coding change: c.1022A>C on transcript NM_001276270.2 (MANE Select); coding-DNA position 1022, A replaced by C.
Protein change: p.Asp341Ala; replaces aspartic acid 341 with alanine.
Molecular consequence: missense variant. On other transcripts: intron variant (1).
Genome position (GRCh38, 1-based): chr3:129,436,622, T>G on the plus strand (A>C on the coding strand, the complement: MBD4 is on the minus strand). VCF-style: chr3-129436622-T-G. GRCh37 (hg19) VCF-style: chr3-129155465-T-G.
Other names: c.1022A>C, p.Asp341Ala (NM_001276271.2, NM_001276272.2, NM_003925.3); c.247+1186A>C (NM_001276273.2); short protein forms D341A.
Identifiers: ClinVar variation 4104680 (VCV004104680.1).
Genomic context (GRCh38, chr3:129,436,622, plus strand): 5'-TTTGTTCCGATTTCTTCAGATTCTAAAAAGGTATCCTCATACTTCTCGTTGTGTTCTGAG[T>G]CTTTGGCTGAACAAAATTTGTTTATGATGCCAGAAGTTTTTTGTTCAGAACAAAAATTTG-3'
Protein context (NP_001263199.1, residues 331-351): GIINKFCSAK[Asp341Ala]SEHNEKYEDT